The following is an entry in ClinVar:

ClinVar aggregate classification (germline): Benign/Likely benign. Review status: criteria provided, multiple submitters, no conflicts (2 of 4 stars). 5 submissions from 5 submitters: Benign (3); Likely benign (2). Last evaluated 2025-09-10.

Conditions:
Autosomal recessive spinocerebellar ataxia 13. Identifiers: Orphanet 324262, MedGen C3553816, MONDO:0013905, OMIM 614831.
Spinocerebellar ataxia 44. Identifiers: Orphanet 631095, MedGen C4521563, MONDO:0033479, OMIM 617691.

Allele frequency attached by ClinVar (database versions not stated): 1000 Genomes Project 0.00200; 1000 Genomes Project 30x 0.00234; TOPMed 0.00306; ESP Exome Variant Server 0.00354.
gnomAD v4.1: 821 of 1,613,938 alleles (0.051%); highest among the groups gnomAD compares: African/African-American, 0.97%; 5 homozygotes.

Submissions (5):

Labcorp Genetics (formerly Invitae), Labcorp
Classification: Benign. Last evaluated: 2025-09-10. Review status: criteria provided, single submitter. Criteria: Invitae Variant Classification Sherloc (09022015). Collection method: clinical testing. Allele origin: germline.

Mayo Clinic Laboratories, Mayo Clinic
Classification: Benign. Last evaluated: 2025-01-06. Review status: criteria provided, single submitter. Criteria: ACMG Guidelines, 2015. Collection method: clinical testing. Allele origin: germline. Observed: 1 variant allele.
Comment: BS1, BS2, BP4, BP7

Blueprint Genetics
Classification: Likely benign. Last evaluated: 2024-10-24. Review status: criteria provided, single submitter. Criteria: ACMG Guidelines, 2015. Collection method: clinical testing. Allele origin: germline.

Athena Diagnostics
Classification: Benign. Last evaluated: 2023-10-20. Review status: criteria provided, single submitter. Criteria: Athena Diagnostics Criteria. Collection method: clinical testing. Allele origin: unknown.

Fulgent Genetics
Classification: Likely benign for Autosomal recessive spinocerebellar ataxia 13; Spinocerebellar ataxia 44. Last evaluated: 2022-01-06. Review status: criteria provided, single submitter. Criteria: ACMG Guidelines, 2015. Collection method: clinical testing. Allele origin: unknown.

Literature cited by the submitters: PubMed 22448230 (cited by Athena Diagnostics).

NM_001278064.2(GRM1):c.2007G>T (p.Ala669=)

Gene: GRM1 (glutamate metabotropic receptor 1; plus strand). Cytogenetic location: 6q24.3.
Variant type: single nucleotide variant.
Coding change: c.2007G>T on transcript NM_001278064.2 (MANE Select); coding-DNA position 2007, G replaced by T.
Protein change: p.Ala669=; no amino-acid change (alanine 669 retained).
Molecular consequence: synonymous variant.
Genome position (GRCh38, 1-based): chr6:146,399,046, G>T. VCF-style: chr6-146399046-G-T. GRCh37 (hg19) VCF-style: chr6-146720182-G-T.
Other names: p.Ala669=; c.2007G>T, p.Ala669= (NM_001278065.2, NM_001278066.1, NM_001278067.1).
Identifiers: ClinVar variation 585954 (VCV000585954.15), dbSNP rs148926588, ClinGen allele CA4037407.